The following is an entry in ClinVar:

ClinVar aggregate classification (germline): Likely benign (1 of 4 stars; one submission).

Conditions:
PLXNA1-related disorder. Also called: PLXNA1-related condition.

gnomAD v4.1: 1 of 1,613,046 alleles (0.000062%); highest among the groups gnomAD compares: Non-Finnish European, 0.000085%; no homozygotes.

Submission:

PreventionGenetics, part of Exact Sciences
Classification: Likely benign for PLXNA1-related condition. Last evaluated: 2026-02-18. Review status: criteria provided, single submitter. Criteria: ACMG Guidelines, 2015. Collection method: clinical testing. Allele origin: germline.
Comment: This variant is classified as likely benign based on ACMG/AMP sequence variant interpretation guidelines (Richards et al. 2015 PMID: 25741868, with internal and published modifications).

NM_032242.4(PLXNA1):c.3816A>C (p.Arg1272=)

Gene: PLXNA1 (plexin A1; plus strand). Cytogenetic location: 3q21.3.
Variant type: single nucleotide variant.
Coding change: c.3816A>C on transcript NM_032242.4 (MANE Select); coding-DNA position 3816, A replaced by C.
Protein change: p.Arg1272=; no amino-acid change (arginine 1272 retained).
Molecular consequence: synonymous variant.
Genome position (GRCh38, 1-based): chr3:127,018,449, A>C. VCF-style: chr3-127018449-A-C. GRCh37 (hg19) VCF-style: chr3-126737292-A-C.
Identifiers: ClinVar variation 5001037 (VCV005001037.1).